The following is an entry in ClinVar:

ClinVar aggregate classification (germline): Likely benign (1 of 4 stars; one submission).

Allele frequency attached by ClinVar (database versions not stated): 1000 Genomes Project 30x 0.00016; 1000 Genomes Project 0.00020; ExAC 0.00061; gnomAD 0.00066 and 0.00069; ESP Exome Variant Server 0.00069; TOPMed 0.00073; gnomAD exomes 0.00076 and 0.00080.
gnomAD v4.1: 1,299 of 1,610,358 alleles (0.081%); highest among the groups gnomAD compares: Admixed American, 0.094%; 2 homozygotes.

Submission:

CeGaT Center for Human Genetics Tuebingen
Classification: Likely benign. Last evaluated: 2026-05-01. Review status: criteria provided, single submitter. Criteria: CeGaT Center For Human Genetics Tuebingen Variant Classification Criteria Version 2. Collection method: clinical testing. Allele origin: germline. Affected: yes. Observed: 7 variant alleles.
Comment: CUX1: BP4, BP7, BS1

NM_181552.4(CUX1):c.654C>T (p.Tyr218=)

Gene: CUX1 (cut like homeobox 1; plus strand). Cytogenetic location: 7q22.1.
Variant type: single nucleotide variant.
Coding change: c.654C>T on transcript NM_181552.4 (MANE Select); coding-DNA position 654, C replaced by T.
Protein change: p.Tyr218=; no amino-acid change (tyrosine 218 retained).
Molecular consequence: synonymous variant.
Genome position (GRCh38, 1-based): chr7:102,115,253, C>T. VCF-style: chr7-102115253-C-T. GRCh37 (hg19) VCF-style: chr7-101758533-C-T.
Other names: c.687C>T, p.Tyr229= (NM_001202543.2, NM_001913.5, NM_181500.4); c.639C>T, p.Tyr213= (NM_001202544.3); c.549C>T, p.Tyr183= (NM_001202545.3); c.576C>T, p.Tyr192= (NM_001202546.3).
Identifiers: ClinVar variation 1299083 (VCV001299083.35), dbSNP rs149507748, ClinGen allele CA4410548.
Genomic context (GRCh38, chr7:102,115,253, plus strand): 5'-TCTTTGCCTTTCAGCCCTGGAAAAAACTCGAACAGAATTATTTGACCTGAAAACCAAATA[C>T]GATGAAGAAACTACTGCAAAGTAAGTCTCTCTGCTTGGCCTCCCTTATCCGTACACATTT-3'
Protein context (NP_853530.2, residues 208-228): RTELFDLKTK[Tyr218=]DEETTAKADE